The following is an entry in ClinVar:

ClinVar aggregate classification (germline): Uncertain significance (1 of 4 stars; one submission).

Conditions:
Congenital myasthenic syndrome 5. Identifiers: Orphanet 590, MedGen C1864233, MONDO:0011281, OMIM 603034.

Allele frequency attached by ClinVar (database versions not stated): gnomAD 0.00001; gnomAD exomes 0.00001; TOPMed 0.00002.
gnomAD v4.1: 5 of 1,614,014 alleles (0.00031%); highest among the groups gnomAD compares: Admixed American, 0.0033%; no homozygotes.

Submission:

Labcorp Genetics (formerly Invitae), Labcorp
Classification: Uncertain significance for Congenital myasthenic syndrome 5. Last evaluated: 2022-07-25. Review status: criteria provided, single submitter. Criteria: Invitae Variant Classification Sherloc (09022015). Collection method: clinical testing. Allele origin: germline.
Comment: In summary, the available evidence is currently insufficient to determine the role of this variant in disease. Therefore, it has been classified as a Variant of Uncertain Significance. Algorithms developed to predict the effect of missense changes on protein structure and function output the following: SIFT: "Tolerated"; PolyPhen-2: "Possibly Damaging"; Align-GVGD: "Class C0". The serine amino acid residue is found in multiple mammalian species, which suggests that this missense change does not adversely affect protein function. ClinVar contains an entry for this variant (Variation ID: 1437361). This variant has not been reported in the literature in individuals affected with COLQ-related conditions. This variant is present in population databases (no rsID available, gnomAD 0.006%). This sequence change replaces glycine, which is neutral and non-polar, with serine, which is neutral and polar, at codon 46 of the COLQ protein (p.Gly46Ser).

NM_005677.4(COLQ):c.136G>A (p.Gly46Ser)

Gene: COLQ (collagen like tail subunit of asymmetric acetylcholinesterase; minus strand). Cytogenetic location: 3p25.1.
Variant type: single nucleotide variant.
Coding change: c.136G>A on transcript NM_005677.4 (MANE Select); coding-DNA position 136, G replaced by A.
Protein change: p.Gly46Ser; replaces glycine 46 with serine.
Molecular consequence: missense variant.
Genome position (GRCh38, 1-based): chr3:15,489,608, C>T on the plus strand (G>A on the coding strand, the complement: COLQ is on the minus strand). VCF-style: chr3-15489608-C-T. GRCh37 (hg19) VCF-style: chr3-15531115-C-T.
Other names: c.106G>A, p.Gly36Ser (NM_080538.2); c.136G>A, p.Gly46Ser (NM_080539.4); short protein forms G36S, G46S.
Identifiers: ClinVar variation 1437361 (VCV001437361.8), dbSNP rs981504781, ClinGen allele CA70627398.
Genomic context (GRCh38, chr3:15,489,608, plus strand): 5'-ATGGTGGTGGGAACAGTGGTGGTGGAGGAGGCGTCAGCAGGCAGCATGCTTTGTGGCCAC[C>T]ACGCTTCTTCTGATCCAGGCTGGGAAGGGCTGTTCAGAGAAAACTGCCGCTCGTTAGCAT-3'
Protein context (NP_005668.2, residues 36-56): ALPSLDQKKR[Gly46Ser]GHKACCLLTP